The following is an entry in ClinVar:

NM_007325.5(GRIA3):c.109+1G>A

Gene: GRIA3 (glutamate ionotropic receptor AMPA type subunit 3; plus strand). Cytogenetic location: Xq25.
Variant type: single nucleotide variant.
Coding change: c.109+1G>A on transcript NM_007325.5 (MANE Select); the canonical splice donor site of the intron after coding-DNA position 109, G replaced by A.
Molecular consequence: splice donor variant.
Genome position (GRCh38, 1-based): chrX:123,184,645, G>A. VCF-style: chrX-123184645-G-A. GRCh37 (hg19) VCF-style: chrX-122318497-G-A.
Other names: c.109+1G>A (NM_000828.5, NM_001256743.2).
Identifiers: ClinVar variation 1393662 (VCV001393662.6), dbSNP rs2147242884, ClinGen allele CA414254916.

ClinVar aggregate classification (germline): Uncertain significance (1 of 4 stars; one submission).

Submission:

Labcorp Genetics (formerly Invitae), Labcorp
Classification: Uncertain significance. Last evaluated: 2021-11-16. Review status: criteria provided, single submitter. Criteria: Invitae Variant Classification Sherloc (09022015). Collection method: clinical testing. Allele origin: germline.
Comment: In summary, the available evidence is currently insufficient to determine the role of this variant in disease. Therefore, it has been classified as a Variant of Uncertain Significance. Algorithms developed to predict the effect of sequence changes on RNA splicing suggest that this variant may disrupt the consensus splice site. This variant has not been reported in the literature in individuals affected with GRIA3-related conditions. This variant is not present in population databases (gnomAD no frequency). This sequence change affects a donor splice site in intron 1 of the GRIA3 gene. It is expected to disrupt RNA splicing. Variants that disrupt the donor or acceptor splice site typically lead to a loss of protein function (PMID: 16199547), however the current clinical and genetic evidence is not sufficient to establish whether loss-of-function variants in GRIA3 cause disease.

Literature cited by the submitters: PubMed 16199547.